The following is an entry in ClinVar:

NM_018406.7(MUC4):c.12660T>A (p.Gly4220=)

Genes: MUC4 (mucin 4, cell surface associated), LOC126806930 (BRD4-independent group 4 enhancer GRCh37_chr3:195505212-195506411). Cytogenetic location: 3q29.
Variant type: single nucleotide variant.
Coding change: c.12660T>A on transcript NM_018406.7 (MANE Select); coding-DNA position 12660, T replaced by A.
Protein change: p.Gly4220=; no amino-acid change (glycine 4220 retained).
Molecular consequence: synonymous variant. On other transcripts: genic upstream transcript variant (2).
Genome position (GRCh38, 1-based): chr3:195,778,920, A>T on the plus strand (T>A on the coding strand, the complement: MUC4 is on the minus strand). VCF-style: chr3-195778920-A-T. GRCh37 (hg19) VCF-style: chr3-195505791-A-T.
Other names: c.83-4615T>A (NM_138297.5); c.83-465T>A (NM_004532.6); c.18678T>A, p.Gly6226= (NM_001322468.1).
Identifiers: ClinVar variation 2654379 (VCV002654379.24), dbSNP rs1235000910, ClinGen allele CA438034884.
Genomic context (GRCh38, chr3:195,778,920, plus strand): 5'-AGGGGTGGCGTGACCTGTGGATACTGAGGAAAGGCTGGTGACAGGAAGAGGGGTGGCGTG[A>T]CCTGTGGATGCTGAGGAAGTGTCGGTGACAGGAAGAGGGGTGGCGTGACCTGTGGATGCT-3'
Protein context (NP_060876.5, residues 4210-4230): PVTDTSSAST[Gly4220=]HATPLPVTSL

ClinVar aggregate classification (germline): Likely benign (1 of 4 stars; one submission).

Allele frequency attached by ClinVar (database versions not stated): gnomAD 0.00001.

Submission:

CeGaT Center for Human Genetics Tuebingen
Classification: Likely benign. Last evaluated: 2023-08-01. Review status: criteria provided, single submitter. Criteria: CeGaT Center For Human Genetics Tuebingen Variant Classification Criteria Version 2. Collection method: clinical testing. Allele origin: germline. Affected: yes. Observed: 1 variant allele.
Comment: MUC4: BP4, BP7